The following is an entry in ClinVar:

ClinVar aggregate classification (germline): Pathogenic/Likely pathogenic. Review status: criteria provided, multiple submitters, no conflicts (2 of 4 stars). 5 submissions from 5 submitters: Pathogenic (1); Likely pathogenic (4). Last evaluated 2025-07-02.

Conditions:
Finnish congenital nephrotic syndrome (NPHS1). Also called: NEPHROTIC SYNDROME, TYPE 1. Identifiers: Orphanet 839, MedGen C0403399, MONDO:0009732, OMIM 256300.

Allele frequency attached by ClinVar (database versions not stated): gnomAD exomes below 0.00001; gnomAD 0.00001; TOPMed 0.00003.

Submissions (5):

Labcorp Genetics (formerly Invitae), Labcorp
Classification: Pathogenic. Last evaluated: 2025-07-02. Review status: criteria provided, single submitter. Criteria: Invitae Variant Classification Sherloc (09022015). Collection method: clinical testing. Allele origin: germline.
Comment: This sequence change creates a premature translational stop signal (p.Pro243Argfs*9) in the NPHS1 gene. It is expected to result in an absent or disrupted protein product. Loss-of-function variants in NPHS1 are known to be pathogenic (PMID: 11317351, 11854170, 12039988). This variant is present in population databases (no rsID available, gnomAD 0.003%). This variant has not been reported in the literature in individuals affected with NPHS1-related conditions. ClinVar contains an entry for this variant (Variation ID: 805091). For these reasons, this variant has been classified as Pathogenic.

Natera, Inc.
Classification: Likely pathogenic for Finnish congenital nephrotic syndrome. Last evaluated: 2024-11-08. Review status: criteria provided, single submitter. Criteria: Natera Variant Classification Schema (03/2026). Collection method: clinical testing. Allele origin: germline.
Comment: The c.728_729delCT variant in NPHS1 is a frameshift variant predicted to shift the reading frame beginning at codon 243 and leads to a stop codon 9 codons downstream. This variant is expected to result in nonsense mediated decay, truncation, or a dysfunctional protein product. This variant is rare in the general population with a frequency below the threshold expected for the associated phenotype(s). Given the available evidence, this variant is classified as Likely Pathogenic.

Fulgent Genetics
Classification: Likely pathogenic for Finnish congenital nephrotic syndrome. Last evaluated: 2024-03-05. Review status: criteria provided, single submitter. Criteria: ACMG Guidelines, 2015. Collection method: clinical testing. Allele origin: germline.

Women's Health and Genetics/Laboratory Corporation of America, LabCorp
Classification: Likely pathogenic for Finnish congenital nephrotic syndrome. Last evaluated: 2020-08-03. Review status: criteria provided, single submitter. Criteria: LabCorp Variant Classification Summary - May 2015. Collection method: clinical testing. Allele origin: germline.
Comment: Variant summary: NPHS1 c.728_729delCT (p.Pro243ArgfsX9) results in a premature termination codon, predicted to cause a truncation of the encoded protein or absence of the protein due to nonsense mediated decay, which are commonly known mechanisms for disease. Truncations downstream of this position have been classified as pathogenic by our laboratory. The variant was absent in 248410 control chromosomes (gnomAD). To our knowledge, no occurrence of c.728_729delCT in individuals affected with Nephrotic Syndrome, Type 1 and no experimental evidence demonstrating its impact on protein function have been reported. One ClinVar submitter (evaluation after 2014) cites the variant as likely pathogenic. Based on the evidence outlined above, the variant was classified as likely pathogenic.

Athena Diagnostics
Classification: Likely pathogenic. Last evaluated: 2019-02-25. Review status: criteria provided, single submitter. Criteria: Athena Diagnostics Criteria. Collection method: clinical testing. Allele origin: germline.
Comment: The variant results in a shift of the reading frame, and is therefore predicted to result in the loss of a functional protein.

Literature cited by the submitters: PubMed 11317351 (cited by Labcorp Genetics (formerly Invitae), Labcorp); PubMed 11854170 (cited by Labcorp Genetics (formerly Invitae), Labcorp); PubMed 12039988 (cited by Labcorp Genetics (formerly Invitae), Labcorp).

NM_004646.4(NPHS1):c.728_729del (p.Pro243fs)

Gene: NPHS1 (NPHS1 adhesion molecule, nephrin; minus strand). Cytogenetic location: 19q13.12.
Variant type: Deletion.
Coding change: c.728_729del on transcript NM_004646.4 (MANE Select); coding-DNA positions 728 to 729, 2 bases deleted (CT; older notation c.728_729delCT).
Protein change: p.Pro243fs; shifts the reading frame from proline 243.
Molecular consequence: frameshift variant.
Genome position (GRCh38, 1-based): chr19:35,849,347-35,849,348, AG deleted on the plus strand (CT on the coding strand, the reverse complement: NPHS1 is on the minus strand). VCF-style (leftmost placement, unchanged base first): chr19-35849346-CAG-C. GRCh37 (hg19) VCF-style: chr19-36340248-CAG-C.
Other names: c.728_729delCT (NM_004646.3); short protein forms P243fs.
Identifiers: ClinVar variation 805091 (VCV000805091.16), dbSNP rs1599845714, ClinGen allele CA633060974.
Genomic context (GRCh38, chr19:35,849,346, plus strand): 5'-GCAGCTCCAAGCTCTGTCCTGCCCGCACGTGCCCCTCATCCAGGCCTGGCCACTCGATGA[CAG>C]GGGGTCCTGGAGGGACTGGGGGATATCAGTCACTCAGTGGGCCTGGAGTAGCCCATCCAC-3'